The following continues an entry in ClinVar:

NM_000238.4(KCNH2):c.1841C>T (p.Ala614Val)

Gene: KCNH2. ClinVar aggregate classification (germline): Pathogenic. Pathogenic (9).

Literature cited by the submitters: PubMed 9024139 (cited by 5 submitters); PubMed 9544837 (cited by 4 submitters); PubMed 15090700 (cited by Labcorp Genetics (formerly Invitae), Labcorp); PubMed 18441445 (cited by 3 submitters); PubMed 18808722 (cited by Labcorp Genetics (formerly Invitae), Labcorp and Women's Health and Genetics/Laboratory Corporation of America, LabCorp); PubMed 19057127 (cited by 4 submitters); PubMed 19996378 (cited by Labcorp Genetics (formerly Invitae), Labcorp); PubMed 22949429 (cited by Labcorp Genetics (formerly Invitae), Labcorp and Women's Health and Genetics/Laboratory Corporation of America, LabCorp); PubMed 16432067 (cited by Labcorp Genetics (formerly Invitae), Labcorp and Cardiovascular Biomedical Research Unit, Royal Brompton & Harefield NHS Foundation Trust); PubMed 23303164 (cited by 3 submitters); PubMed 25417810 (cited by Labcorp Genetics (formerly Invitae), Labcorp); PubMed 19070294 (cited by 3 submitters); PubMed 21240260 (cited by 4 submitters); PubMed 27555138 (cited by Ambry Genetics); PubMed 9693036 (cited by 3 submitters); PubMed 9721698 (cited by 3 submitters); PubMed 9927399 (cited by 3 submitters); PubMed 21960720 (cited by Women's Health and Genetics/Laboratory Corporation of America, LabCorp); PubMed 21367833 (cited by Women's Health and Genetics/Laboratory Corporation of America, LabCorp); PubMed 19843919 (cited by Women's Health and Genetics/Laboratory Corporation of America, LabCorp and Cardiovascular Biomedical Research Unit, Royal Brompton & Harefield NHS Foundation Trust); PubMed 19716085 (cited by Women's Health and Genetics/Laboratory Corporation of America, LabCorp and Cardiovascular Biomedical Research Unit, Royal Brompton & Harefield NHS Foundation Trust); PubMed 18752142 (cited by Women's Health and Genetics/Laboratory Corporation of America, LabCorp and Cardiovascular Biomedical Research Unit, Royal Brompton & Harefield NHS Foundation Trust); PubMed 15840476 (cited by Women's Health and Genetics/Laboratory Corporation of America, LabCorp and Cardiovascular Biomedical Research Unit, Royal Brompton & Harefield NHS Foundation Trust); PubMed 21295269 (cited by Women's Health and Genetics/Laboratory Corporation of America, LabCorp); PubMed 21703926 (cited by Women's Health and Genetics/Laboratory Corporation of America, LabCorp); PubMed 10560244 (cited by Women's Health and Genetics/Laboratory Corporation of America, LabCorp and Cardiovascular Biomedical Research Unit, Royal Brompton & Harefield NHS Foundation Trust); PubMed 21185501 (cited by Women's Health and Genetics/Laboratory Corporation of America, LabCorp); PubMed 11854117 (cited by Women's Health and Genetics/Laboratory Corporation of America, LabCorp and Cardiovascular Biomedical Research Unit, Royal Brompton & Harefield NHS Foundation Trust); PubMed 10973849 (cited by Women's Health and Genetics/Laboratory Corporation of America, LabCorp); PubMed 19841300 (cited by Cardiovascular Biomedical Research Unit, Royal Brompton & Harefield NHS Foundation Trust); PubMed 10187793 (cited by Cardiovascular Biomedical Research Unit, Royal Brompton & Harefield NHS Foundation Trust); PubMed 22581653 (cited by Cardiovascular Biomedical Research Unit, Royal Brompton & Harefield NHS Foundation Trust).